The following is an entry in ClinVar:

ClinVar aggregate classification (germline): Uncertain significance (1 of 4 stars; one submission).

Submission:

GeneDx
Classification: Uncertain significance. Last evaluated: 2020-01-14. Review status: criteria provided, single submitter. Criteria: GeneDx Variant Classification Process June 2021. Collection method: clinical testing. Allele origin: germline. Affected: yes.
Comment: Not observed in large population cohorts (Lek 2016); In silico analysis, which includes protein predictors and evolutionary conservation, supports a deleterious effect; Has not been previously published as pathogenic or benign to our knowledge

NM_004329.3(BMPR1A):c.1454A>G (p.Asn485Ser)

Gene: BMPR1A (bone morphogenetic protein receptor type 1A; plus strand). Cytogenetic location: 10q23.2.
Variant type: single nucleotide variant.
Coding change: c.1454A>G on transcript NM_004329.3 (MANE Select); coding-DNA position 1454, A replaced by G.
Protein change: p.Asn485Ser; replaces asparagine 485 with serine.
Molecular consequence: missense variant.
Genome position (GRCh38, 1-based): chr10:86,923,487, A>G. VCF-style: chr10-86923487-A-G. GRCh37 (hg19) VCF-style: chr10-88683244-A-G.
Other names: short protein forms N485S.
Identifiers: ClinVar variation 1312765 (VCV001312765.2), dbSNP rs2133622136, ClinGen allele CA377463165.